The following is an entry in ClinVar:

NM_054012.4(ASS1):c.18C>T (p.Ser6=)

Gene: ASS1 (argininosuccinate synthase 1; plus strand). Cytogenetic location: 9q34.11.
Variant type: single nucleotide variant.
Coding change: c.18C>T on transcript NM_054012.4 (MANE Select); coding-DNA position 18, C replaced by T.
Protein change: p.Ser6=; no amino-acid change (serine 6 retained).
Molecular consequence: synonymous variant.
Genome position (GRCh38, 1-based): chr9:130,452,246, C>T. VCF-style: chr9-130452246-C-T. GRCh37 (hg19) VCF-style: chr9-133327633-C-T.
Other names: c.18C>T, p.Ser6= (NM_000050.4).
Identifiers: ClinVar variation 703155 (VCV000703155.19), dbSNP rs555717331, ClinGen allele CA5283126.

ClinVar aggregate classification (germline): Likely benign. Review status: criteria provided, multiple submitters, no conflicts (2 of 4 stars). 2 submissions from 2 submitters: Likely benign (2). Last evaluated 2026-06-01.

Conditions:
Citrullinemia. Identifiers: Orphanet 187, MedGen C0175683, MONDO:0015991.

Allele frequency attached by ClinVar (database versions not stated): ExAC 0.00002; gnomAD exomes 0.00004; TOPMed 0.00004; gnomAD 0.00011.
gnomAD v4.1: 67 of 1,614,214 alleles (0.0042%); highest among the groups gnomAD compares: Admixed American, 0.033%; no homozygotes.

Submissions (2):

CeGaT Center for Human Genetics Tuebingen
Classification: Likely benign. Last evaluated: 2026-06-01. Review status: criteria provided, single submitter. Criteria: CeGaT Center For Human Genetics Tuebingen Variant Classification Criteria Version 2. Collection method: clinical testing. Allele origin: germline. Affected: yes. Observed: 1 variant allele.
Comment: ASS1: BP4, BP7

Labcorp Genetics (formerly Invitae), Labcorp
Classification: Likely benign for Citrullinemia. Last evaluated: 2026-01-25. Review status: criteria provided, single submitter. Criteria: Invitae Variant Classification Sherloc (09022015). Collection method: clinical testing. Allele origin: germline.